The following is an entry in ClinVar:

ClinVar aggregate classification (germline): Uncertain significance. Review status: criteria provided, multiple submitters, no conflicts (2 of 4 stars). 2 submissions from 2 submitters: Uncertain significance (2). Last evaluated 2026-06-23.

Conditions:
Inborn genetic diseases. Identifiers: MedGen C0950123, MeSH D030342.
SDCCAG8-related disorder. Also called: SDCCAG8-Related Disorders; SDCCAG8-related condition.

gnomAD v4.1: 2 of 1,613,584 alleles (0.00012%); highest among the groups gnomAD compares: African/African-American, 0.0013%; no homozygotes.

Submissions (2):

PreventionGenetics, part of Exact Sciences
Classification: Uncertain significance for SDCCAG8-related condition. Last evaluated: 2026-06-23. Review status: criteria provided, single submitter. Criteria: ACMG Guidelines, 2015. Collection method: clinical testing. Allele origin: germline.
Comment: The SDCCAG8 c.1715A>G variant is predicted to result in the amino acid substitution p.Gln572Arg. To our knowledge, this variant has not been reported in the literature or in a large population database (gnomAD), indicating this variant is rare. At this time, the clinical significance of this variant is uncertain due to the absence of conclusive functional and genetic evidence.

Ambry Genetics
Classification: Uncertain significance for Inborn genetic diseases. Last evaluated: 2024-11-07. Review status: criteria provided, single submitter. Criteria: Ambry Variant Classification Scheme 2023. Collection method: clinical testing. Allele origin: germline.

NM_006642.5(SDCCAG8):c.1715A>G (p.Gln572Arg)

Gene: SDCCAG8 (SHH signaling and ciliogenesis regulator SDCCAG8; plus strand). Cytogenetic location: 1q43.
Variant type: single nucleotide variant.
Coding change: c.1715A>G on transcript NM_006642.5 (MANE Select); coding-DNA position 1715, A replaced by G.
Protein change: p.Gln572Arg; replaces glutamine 572 with arginine.
Molecular consequence: missense variant.
Genome position (GRCh38, 1-based): chr1:243,415,800, A>G. VCF-style: chr1-243415800-A-G. GRCh37 (hg19) VCF-style: chr1-243579102-A-G.
Other names: c.812A>G, p.Gln271Arg (NM_001350246.2, NM_001350247.2, NM_001350251.2); c.1811A>G, p.Gln604Arg (NM_001350248.2); c.1421A>G, p.Gln474Arg (NM_001350249.2); short protein forms Q271R, Q474R, Q572R, Q604R.
Identifiers: ClinVar variation 3438632 (VCV003438632.2).